The following is an entry in ClinVar:

ClinVar aggregate classification (germline): Uncertain significance (1 of 4 stars; one submission).

Conditions:
Inborn genetic diseases. Identifiers: MedGen C0950123, MeSH D030342.

gnomAD v4.1: 1 of 1,613,934 alleles (0.000062%); highest among the groups gnomAD compares: African/African-American, 0.0013%; no homozygotes.

Submission:

Ambry Genetics
Classification: Uncertain significance for Inborn genetic diseases. Last evaluated: 2025-03-17. Review status: criteria provided, single submitter. Criteria: Ambry Variant Classification Scheme 2023. Collection method: clinical testing. Allele origin: germline.
Comment: The c.2303A>T (p.E768V) alteration is located in exon 15 (coding exon 14) of the SMARCA2 gene. This alteration results from a A to T substitution at nucleotide position 2303, causing the glutamic acid (E) at amino acid position 768 to be replaced by a valine (V). This variant was not reported in population-based cohorts in the Genome Aggregation Database (gnomAD). This amino acid position is highly conserved in available vertebrate species. This alteration is predicted to be deleterious by in silico analysis. Based on insufficient or conflicting evidence, the clinical significance of this alteration remains unclear.

NM_003070.5(SMARCA2):c.2303A>T (p.Glu768Val)

Gene: SMARCA2 (SWI/SNF related BAF chromatin remodeling complex subunit ATPase 2; plus strand). Cytogenetic location: 9p24.3.
Variant type: single nucleotide variant.
Coding change: c.2303A>T on transcript NM_003070.5 (MANE Select); coding-DNA position 2303, A replaced by T.
Protein change: p.Glu768Val; replaces glutamic acid 768 with valine.
Molecular consequence: missense variant.
Genome position (GRCh38, 1-based): chr9:2,081,950, A>T. VCF-style: chr9-2081950-A-T. GRCh37 (hg19) VCF-style: chr9-2081950-A-T.
Other names: c.2303A>T, p.Glu768Val (NM_001289396.2, NM_001289397.2, NM_139045.4); short protein forms E768V.
Identifiers: ClinVar variation 3798864 (VCV003798864.2).
Genomic context (GRCh38, chr9:2,081,950, plus strand): 5'-CCGATGAAATGGGGCTTGGAAAGACCATACAGACCATTGCACTCATCACTTATCTGATGG[A>T]GCACAAAAGACTCAATGGCCCCTATCTCATCATTGTTCCCCTTTCGTAAGTAAAGTCATT-3'
Protein context (NP_003061.3, residues 758-778): QTIALITYLM[Glu768Val]HKRLNGPYLI